The following is an entry in ClinVar:

NM_177438.3(DICER1):c.4305G>T (p.Glu1435Asp)

Gene: DICER1 (dicer 1, ribonuclease III; minus strand). Cytogenetic location: 14q32.13.
Variant type: single nucleotide variant.
Coding change: c.4305G>T on transcript NM_177438.3 (MANE Select); coding-DNA position 4305, G replaced by T.
Protein change: p.Glu1435Asp; replaces glutamic acid 1435 with aspartic acid.
Molecular consequence: missense variant.
Genome position (GRCh38, 1-based): chr14:95,096,615, C>A on the plus strand (G>T on the coding strand, the complement: DICER1 is on the minus strand). VCF-style: chr14-95096615-C-A. GRCh37 (hg19) VCF-style: chr14-95562952-C-A.
Other names: c.4305G>T, p.Glu1435Asp (NM_001195573.1, NM_001271282.3, NM_001291628.2 and 1 more transcripts); short protein forms E1435D.
Identifiers: ClinVar variation 575823 (VCV000575823.10), dbSNP rs1566756652, ClinGen allele CA390869435.

ClinVar aggregate classification (germline): Uncertain significance (1 of 4 stars; one submission).

Conditions:
DICER1-related tumor predisposition. Also called: DICER1 syndrome; DICER1-related pleuropulmonary blastoma cancer predisposition syndrome. Identifiers: Orphanet 284343, MedGen C3839822, MONDO:0100216.

gnomAD v4.1: 1 of 1,612,006 alleles (0.000062%); no homozygotes.

Submission:

Labcorp Genetics (formerly Invitae), Labcorp
Classification: Uncertain significance for DICER1-related tumor predisposition. Last evaluated: 2018-05-22. Review status: criteria provided, single submitter. Criteria: Invitae Variant Classification Sherloc (09022015). Collection method: clinical testing. Allele origin: germline.
Comment: This sequence change replaces glutamic acid with aspartic acid at codon 1435 of the DICER1 protein (p.Glu1435Asp). The glutamic acid residue is moderately conserved and there is a small physicochemical difference between glutamic acid and aspartic acid. In summary, the available evidence is currently insufficient to determine the role of this variant in disease. Therefore, it has been classified as a Variant of Uncertain Significance. Algorithms developed to predict the effect of missense changes on protein structure and function output the following: SIFT: "Tolerated"; PolyPhen-2: "Benign"; Align-GVGD: "Class C0". The aspartic acid amino acid residue is found in multiple mammalian species, suggesting that this missense change does not adversely affect protein function. These predictions have not been confirmed by published functional studies and their clinical significance is uncertain. This variant has not been reported in the literature in individuals with DICER1-related disease. This variant is not present in population databases (ExAC no frequency).